The following is an entry in ClinVar:

NM_001003694.2(BRPF1):c.374C>A (p.Ala125Asp)

Gene: BRPF1 (bromodomain and PHD finger containing 1; plus strand). Cytogenetic location: 3p25.3.
Variant type: single nucleotide variant.
Coding change: c.374C>A on transcript NM_001003694.2 (MANE Select); coding-DNA position 374, C replaced by A.
Protein change: p.Ala125Asp; replaces alanine 125 with aspartic acid.
Molecular consequence: missense variant. On other transcripts: non-coding transcript variant (1).
Genome position (GRCh38, 1-based): chr3:9,734,514, C>A. VCF-style: chr3-9734514-C-A. GRCh37 (hg19) VCF-style: chr3-9776198-C-A.
Other names: c.374C>A, p.Ala125Asp (NM_001319049.2, NM_001319050.2, NM_001410704.1 and 7 more transcripts); short protein forms A125D.
Identifiers: ClinVar variation 4991978 (VCV004991978.1).

ClinVar aggregate classification (germline): Uncertain significance (1 of 4 stars; one submission).

Conditions:
BRPF1-related disorder. Also called: BRPF1-related condition.

Submission:

PreventionGenetics, part of Exact Sciences
Classification: Uncertain significance for BRPF1-related condition. Last evaluated: 2026-07-27. Review status: criteria provided, single submitter. Criteria: ACMG Guidelines, 2015. Collection method: clinical testing. Allele origin: germline.
Comment: The BRPF1 c.374C>A variant is predicted to result in the amino acid substitution p.Ala125Asp. To our knowledge, this variant has not been reported in the literature or in a large population database (gnomAD), indicating this variant is rare. At this time, the clinical significance of this variant is uncertain due to the absence of conclusive functional and genetic evidence.